The following is an entry in ClinVar:

NC_000004.11:g.(?_80822299)_(80906018_80929674)del

Gene: ANTXR2 (ANTXR cell adhesion molecule 2; minus strand). Cytogenetic location: 4q21.21.
Variant type: Deletion.
Identifiers: ClinVar variation 3895547 (VCV003895547.1).

ClinVar aggregate classification (germline): Likely pathogenic (1 of 4 stars; one submission).

Conditions:
Juvenile hyaline fibromatosis (JHF). Also called: Puretic syndrome; Hyalinosis, systemic juvenile. Identifiers: Orphanet 2028, MedGen C2745948, MONDO:0016071.

Submission:

Women's Health and Genetics/Laboratory Corporation of America, LabCorp
Classification: Likely pathogenic for Juvenile hyaline fibromatosis. Last evaluated: 2025-03-18. Review status: criteria provided, single submitter. Criteria: LabCorp Variant Classification Summary - May 2015. Collection method: clinical testing. Allele origin: germline.
Comment: Variant summary: The variant involves the deletion of exons 13-17 in the ANTXR2 gene. A presumed nomenclature of c.(1041+1_1042-1)_(*6284_?)del has been designated for the purposes of this classification. The exact breakpoint at the distal 3' end of this variant is unknown, therefore this deletion may extend downstream of the annotated region of the gene. As it encompasses the termination codon, it is predicted to escape nonsense mediated decay (NMD). The variant was absent in 20804 control chromosomes. A smaller in-frame deletion of Exons 15-16 (listed as c.1180_1428del) also expected to escape nonsense mediated decay, has been reported in the literature in multiple compound heterozygous or homozygous individuals affected with Hyaline Fibromatosis Syndrome (e.g. Denadai_2012, Zhu_2022). These data indicate that the variant is likely to be associated with disease. To our knowledge, no experimental evidence demonstrating an impact on protein function has been reported. The following publications have been ascertained in the context of this evaluation (PMID: 22383261, 35726349). ClinVar contains an entry for this variant (Variation ID: 1527101, 1809186). Based on the evidence outlined above, the variant was classified as likely pathogenic.

Literature cited by the submitters: PubMed 22383261; PubMed 35726349.